The following is an entry in ClinVar:

NM_000717.5(CA4):c.377C>T (p.Ser126Leu)

Gene: CA4 (carbonic anhydrase 4; plus strand). Cytogenetic location: 17q23.1.
Variant type: single nucleotide variant.
Coding change: c.377C>T on transcript NM_000717.5 (MANE Select); coding-DNA position 377, C replaced by T.
Protein change: p.Ser126Leu; replaces serine 126 with leucine.
Molecular consequence: missense variant. On other transcripts: non-coding transcript variant (1).
Genome position (GRCh38, 1-based): chr17:60,157,535, C>T. VCF-style: chr17-60157535-C-T. GRCh37 (hg19) VCF-style: chr17-58234896-C-T.
Other names: short protein forms S126L.
Identifiers: ClinVar variation 1968496 (VCV001968496.5), dbSNP rs777639074, ClinGen allele CA8685314.
Genomic context (GRCh38, chr17:60,157,535, plus strand): 5'-CTGCCCCATACCAGGCCAAACAGTTGCACCTGCACTGGTCCGACTTGCCATATAAGGGCT[C>T]GGAGCACAGCCTCGATGGGGAGCACTTTGCCATGGAGGTGAGGGCCCCTTCCCGACTGGG-3'
Protein context (NP_000708.1, residues 116-136): LHWSDLPYKG[Ser126Leu]EHSLDGEHFA

ClinVar aggregate classification (germline): Uncertain significance (1 of 4 stars; one submission).

Allele frequency attached by ClinVar (database versions not stated): gnomAD exomes below 0.00001; ExAC 0.00001.
gnomAD v4.1: 9 of 1,614,152 alleles (0.00056%); highest among the groups gnomAD compares: East Asian, 0.0045%; no homozygotes.

Submission:

Labcorp Genetics (formerly Invitae), Labcorp
Classification: Uncertain significance. Last evaluated: 2022-05-07. Review status: criteria provided, single submitter. Criteria: Invitae Variant Classification Sherloc (09022015). Collection method: clinical testing. Allele origin: germline.
Comment: In summary, the available evidence is currently insufficient to determine the role of this variant in disease. Therefore, it has been classified as a Variant of Uncertain Significance. Algorithms developed to predict the effect of missense changes on protein structure and function are either unavailable or do not agree on the potential impact of this missense change (SIFT: "Not Available"; PolyPhen-2: "Probably Damaging"; Align-GVGD: "Not Available"). This variant has not been reported in the literature in individuals affected with CA4-related conditions. This variant is present in population databases (rs777639074, gnomAD 0.006%). This sequence change replaces serine, which is neutral and polar, with leucine, which is neutral and non-polar, at codon 126 of the CA4 protein (p.Ser126Leu).